The following is an entry in ClinVar:

ClinVar aggregate classification (germline): Uncertain significance (1 of 4 stars; one submission).

Submission:

Labcorp Genetics (formerly Invitae), Labcorp
Classification: Uncertain significance. Last evaluated: 2025-07-02. Review status: criteria provided, single submitter. Criteria: Invitae Variant Classification Sherloc (09022015). Collection method: clinical testing. Allele origin: germline.
Comment: This sequence change falls in intron 7 of the POLG2 gene. It does not directly change the encoded amino acid sequence of the POLG2 protein. This variant is present in population databases (no rsID available, gnomAD no frequency). This variant has not been reported in the literature in individuals affected with POLG2-related conditions. Algorithms developed to predict the effect of sequence changes on RNA splicing suggest that this variant may disrupt the consensus splice site. In summary, the available evidence is currently insufficient to determine the role of this variant in disease. Therefore, it has been classified as a Variant of Uncertain Significance.

NM_007215.4(POLG2):c.1293-20T>G

Genes: MILR1 (mast cell immunoglobulin like receptor 1; plus strand), POLG2 (DNA polymerase gamma 2, accessory subunit; minus strand). Cytogenetic location: 17q23.3.
Variant type: single nucleotide variant.
Coding change: c.1293-20T>G on transcript NM_007215.4 (MANE Select); 20 bases into the intron before coding-DNA position 1293, T replaced by G.
Molecular consequence: intron variant.
Genome position (GRCh38, 1-based): chr17:64,478,008, A>C on the plus strand (T>G on the coding strand, the complement: POLG2 is on the minus strand). VCF-style: chr17-64478008-A-C. GRCh37 (hg19) VCF-style: chr17-62474125-A-C.
Identifiers: ClinVar variation 4760946 (VCV004760946.1).